The following is an entry in ClinVar:

ClinVar aggregate classification (germline): Pathogenic (1 of 4 stars; one submission).

Conditions:
Dyskeratosis congenita. Identifiers: Orphanet 1775, MedGen C0265965, MONDO:0015780.

Submission:

Labcorp Genetics (formerly Invitae), Labcorp
Classification: Pathogenic for Dyskeratosis congenita. Last evaluated: 2024-07-08. Review status: criteria provided, single submitter. Criteria: Invitae Variant Classification Sherloc (09022015). Collection method: clinical testing. Allele origin: germline.
Comment: This sequence change creates a premature translational stop signal (p.Lys242Serfs*9) in the CTC1 gene. It is expected to result in an absent or disrupted protein product. Loss-of-function variants in CTC1 are known to be pathogenic (PMID: 22267198, 22387016). This variant is present in population databases (no rsID available, gnomAD 0.004%). This variant has not been reported in the literature in individuals affected with CTC1-related conditions. Algorithms developed to predict the effect of sequence changes on RNA splicing suggest that this variant may disrupt the consensus splice site. For these reasons, this variant has been classified as Pathogenic.

Literature cited by the submitters: PubMed 22267198; PubMed 22387016.

NM_025099.6(CTC1):c.723_724del (p.Lys242fs)

Gene: CTC1 (CST telomere replication complex component 1; minus strand). Cytogenetic location: 17p13.1.
Variant type: Deletion.
Coding change: c.723_724del on transcript NM_025099.6 (MANE Select); coding-DNA positions 723 to 724, 2 bases deleted (GA; older notation c.723_724delGA).
Protein change: p.Lys242fs; shifts the reading frame from lysine 242.
Molecular consequence: frameshift variant.
Genome position (GRCh38, 1-based): chr17:8,237,443-8,237,444, TC deleted on the plus strand (GA on the coding strand, the reverse complement: CTC1 is on the minus strand); deleting any 2 consecutive bases within chr17:8,237,443-8,237,445 gives the same sequence; the c. name uses the placement nearest the transcript's 3' end. VCF-style (leftmost placement, unchanged base first): chr17-8237442-TTC-T. GRCh37 (hg19) VCF-style: chr17-8140760-TTC-T.
Other names: c.723_724del, p.Lys242fs (NM_001411067.1); short protein forms K242fs.
Identifiers: ClinVar variation 2894033 (VCV002894033.3), dbSNP rs1204126024, ClinGen allele CA624731931.
Genomic context (GRCh38, chr17:8,237,442, plus strand): 5'-ATGATGGACACGTGGGTGACAGCTGGGTGTGATCTACCAAGAGACAGGATGAAGTAAGCT[TTC>T]TGTTTACTTTTCACCAGAGCACTCAATCGAACTAGACTCCCAGCCAGGTTTCGCTGCACA-3'